The following is an entry in ClinVar:

NM_005762.3(TRIM28):c.380A>G (p.Lys127Arg)

Gene: TRIM28 (tripartite motif containing 28; plus strand). Cytogenetic location: 19q13.43.
Variant type: single nucleotide variant.
Coding change: c.380A>G on transcript NM_005762.3 (MANE Select); coding-DNA position 380, A replaced by G.
Protein change: p.Lys127Arg; replaces lysine 127 with arginine.
Molecular consequence: missense variant.
Genome position (GRCh38, 1-based): chr19:58,545,464, A>G. VCF-style: chr19-58545464-A-G. GRCh37 (hg19) VCF-style: chr19-59056831-A-G.
Other names: short protein forms K127R.
Identifiers: ClinVar variation 1320297 (VCV001320297.9), dbSNP rs147833197, ClinGen allele CA9718837.

ClinVar aggregate classification (germline): Uncertain significance. Review status: criteria provided, multiple submitters, no conflicts (2 of 4 stars). 3 submissions from 3 submitters: Uncertain significance (3). Last evaluated 2026-01-06.

Conditions:
Wilms tumor 1 (WT1). Also called: Wilms tumor, somatic. Identifiers: Orphanet 654, MedGen CN033288, MONDO:0008679, OMIM 194070.

Allele frequency attached by ClinVar (database versions not stated): TOPMed 0.00002; ExAC 0.00003; 1000 Genomes Project 0.00020; 1000 Genomes Project 30x 0.00016; gnomAD exomes 0.00002; gnomAD 0.00003; ESP Exome Variant Server 0.00008.
gnomAD v4.1: 38 of 1,612,858 alleles (0.0024%); highest among the groups gnomAD compares: Middle Eastern, 0.033%; no homozygotes.

Submissions (3):

Labcorp Genetics (formerly Invitae), Labcorp
Classification: Uncertain significance. Last evaluated: 2026-01-06. Review status: criteria provided, single submitter. Criteria: Invitae Variant Classification Sherloc (09022015). Collection method: clinical testing. Allele origin: germline.
Comment: This sequence change replaces lysine, which is basic and polar, with arginine, which is basic and polar, at codon 127 of the TRIM28 protein (p.Lys127Arg). This variant is present in population databases (rs147833197, gnomAD 0.008%). This variant has not been reported in the literature in individuals affected with TRIM28-related conditions. ClinVar contains an entry for this variant (Variation ID: 1320297). Experimental studies and prediction algorithms are not available or were not evaluated, and the functional significance of this variant is currently unknown. In summary, the available evidence is currently insufficient to determine the role of this variant in disease. Therefore, it has been classified as a Variant of Uncertain Significance.

Ambry Genetics
Classification: Uncertain significance. Last evaluated: 2025-11-08. Review status: criteria provided, single submitter. Criteria: Ambry Variant Classification Scheme 2023. Collection method: clinical testing. Allele origin: germline.

St. Jude Molecular Pathology, St. Jude Children's Research Hospital
Classification: Uncertain significance for Wilms tumor 1. Last evaluated: 2021-10-28. Review status: criteria provided, single submitter. Criteria: St. Jude Assertion Criteria 2020. Collection method: clinical testing. Allele origin: germline.
Comment: The TRIM28 c.380A>G (p.Lys127Arg) missense change has a maximum subpopulation frequency of 0.0080% in gnomAD v2.1.1. Four of seven in silico tools predict a benign effect of this variant on protein function (BP4), but to our knowledge these predictions have not been confirmed by functional assays. To our knowledge, this variant has not been reported in individuals with a personal or family history of Wilms tumor. In summary, this variant meets criteria to be classified as of uncertain significance based on the ACMG/AMP criteria: BP4.